The following is an entry in ClinVar:

ClinVar aggregate classification (germline): Uncertain significance (1 of 4 stars; one submission).

gnomAD v4.1: 1 of 1,613,692 alleles (0.000062%); highest among the groups gnomAD compares: Non-Finnish European, 0.000085%; no homozygotes.

Submission:

Mayo Clinic Laboratories, Mayo Clinic
Classification: Uncertain significance. Last evaluated: 2024-07-31. Review status: criteria provided, single submitter. Criteria: ACMG Guidelines, 2015. Collection method: clinical testing. Allele origin: germline. Observed: 1 variant allele.
Comment: PM2

NM_020458.4(TTC7A):c.2378G>A (p.Gly793Asp)

Gene: TTC7A (tetratricopeptide repeat domain 7A; plus strand). Cytogenetic location: 2p21.
Variant type: single nucleotide variant.
Coding change: c.2378G>A on transcript NM_020458.4 (MANE Select); coding-DNA position 2378, G replaced by A.
Protein change: p.Gly793Asp; replaces glycine 793 with aspartic acid.
Molecular consequence: missense variant.
Genome position (GRCh38, 1-based): chr2:47,073,724, G>A. VCF-style: chr2-47073724-G-A. GRCh37 (hg19) VCF-style: chr2-47300863-G-A.
Other names: p.Gly793Asp; c.2450G>A, p.Gly817Asp (NM_001288951.2); c.2276G>A, p.Gly759Asp (NM_001288953.2); c.1316G>A, p.Gly439Asp (NM_001288955.2); short protein forms G439D, G759D, G793D, G817D.
Identifiers: ClinVar variation 3380809 (VCV003380809.1).